The following is an entry in ClinVar:

NM_004793.4(LONP1):c.1624C>T (p.Arg542Ter)

Gene: LONP1 (lon peptidase 1, mitochondrial; minus strand). Cytogenetic location: 19p13.3.
Variant type: single nucleotide variant.
Coding change: c.1624C>T on transcript NM_004793.4 (MANE Select); coding-DNA position 1624, C replaced by T.
Protein change: p.Arg542Ter; replaces arginine 542 with a stop codon.
Molecular consequence: nonsense. On other transcripts: non-coding transcript variant (1).
Genome position (GRCh38, 1-based): chr19:5,699,088, G>A on the plus strand (C>T on the coding strand, the complement: LONP1 is on the minus strand). VCF-style: chr19-5699088-G-A. GRCh37 (hg19) VCF-style: chr19-5699099-G-A.
Other names: c.1432C>T, p.Arg478Ter (NM_001276479.2); c.1036C>T, p.Arg346Ter (NM_001276480.1); short protein forms R346*, R478*, R542*.
Identifiers: ClinVar variation 4686175 (VCV004686175.1).

ClinVar aggregate classification (germline): Likely pathogenic (1 of 4 stars; one submission).

gnomAD v4.1: 2 of 1,607,192 alleles (0.00012%); highest among the groups gnomAD compares: African/African-American, 0.0013%; no homozygotes.

Submission:

GeneDx
Classification: Likely pathogenic. Last evaluated: 2025-07-14. Review status: criteria provided, single submitter. Criteria: GeneDx Variant Classification Process June 2021. Collection method: clinical testing. Allele origin: germline. Affected: yes.
Comment: Identified as a paternally inherited variant in a patient from a large cohort of individuals with congenital diaphragmatic hernia; detailed clinical and family history information was not provided (PMID: 34547244); Nonsense variant predicted to result in protein truncation or nonsense mediated decay in a gene for which loss of function is a known mechanism of disease; Not observed at significant frequency in large population cohorts (gnomAD); This variant is associated with the following publications: (PMID: 34547244)